The following is an entry in ClinVar:

NM_000202.8(IDS):c.212G>T (p.Ser71Ile)

Gene: IDS (iduronate 2-sulfatase; minus strand). Cytogenetic location: Xq28.
Variant type: single nucleotide variant.
Coding change: c.212G>T on transcript NM_000202.8 (MANE Select); coding-DNA position 212, G replaced by T.
Protein change: p.Ser71Ile; replaces serine 71 with isoleucine.
Molecular consequence: missense variant. On other transcripts: 5 prime UTR variant (1), non-coding transcript variant (1).
Genome position (GRCh38, 1-based): chrX:149,504,185, C>A on the plus strand (G>T on the coding strand, the complement: IDS is on the minus strand). VCF-style: chrX-149504185-C-A. GRCh37 (hg19) VCF-style: chrX-148585715-C-A.
Other names: c.-15G>T (NM_001166550.4); c.212G>T, p.Ser71Ile (NM_006123.5); short protein forms S71I.
Identifiers: ClinVar variation 996541 (VCV000996541.3), dbSNP rs113993954, ClinGen allele CA414527310.

ClinVar aggregate classification (germline): Likely pathogenic. Review status: criteria provided, multiple submitters, no conflicts (2 of 4 stars). 2 submissions from 2 submitters: Likely pathogenic (2). Last evaluated 2024-06-07.

Conditions:
Mucopolysaccharidosis, MPS-II (MPS2). Also called: Mucopolysaccharidosis type 2; Hunter Syndrome; IDURONATE 2-SULFATASE DEFICIENCY; Mucopolysaccharidosis Type II; IDS deficiency; Sulfoiduronate sulfatase deficiency. Identifiers: Orphanet 580, Orphanet 79388, MedGen C0026705, MONDO:0010674, OMIM 309900.

Submissions (2):

Laboratory of Diagnosis and Therapy of Lysosomal Disorders, University of Padova
Classification: Likely pathogenic for Mucopolysaccharidosis, MPS-II. Last evaluated: 2024-06-07. Review status: criteria provided, single submitter. Criteria: ACMG Guidelines, 2015. Collection method: literature only. Allele origin: germline. Affected: yes. Observed: 2 variant alleles.
Comment: De novo (PS2_Moderate), Absent from controls (or at low frequency) in gnomAD database (PM2_Moderate), Missense variant in a gene with a low rate of benign missense variation (PP2_Supporting), Multiple lines of computational evidence support a deleterious effect (PP3_Supporting), Patient’s phenotype or family history highly specific for the disease (PP4_Moderate)

Classification method: ACMG Guidelines [PMID:25741868] with modifications

Department of Medical Genetics, Sanjay Gandhi Post Graduate Institute of Medical Sciences
Classification: Likely pathogenic for Mucopolysaccharidosis, MPS-II. Review status: criteria provided, single submitter. Criteria: ACMG Guidelines, 2015. Collection method: clinical testing. Allele origin: germline. Inheritance: X-linked recessive inheritance. Affected: yes. Observed: 1 variant allele, 1 hemizygote.

Literature cited by the submitters: PubMed 35144014 (cited by Laboratory of Diagnosis and Therapy of Lysosomal Disorders, University of Padova); PubMed 30945278 (cited by Laboratory of Diagnosis and Therapy of Lysosomal Disorders, University of Padova).